The following is an entry in ClinVar:

NM_001292034.3(TAB2):c.377C>T (p.Pro126Leu)

Gene: TAB2 (TGF-beta activated kinase 1 (MAP3K7) binding protein 2; plus strand). Cytogenetic location: 6q25.1.
Variant type: single nucleotide variant.
Coding change: c.377C>T on transcript NM_001292034.3 (MANE Select); coding-DNA position 377, C replaced by T.
Protein change: p.Pro126Leu; replaces proline 126 with leucine.
Molecular consequence: missense variant.
Genome position (GRCh38, 1-based): chr6:149,378,292, C>T. VCF-style: chr6-149378292-C-T. GRCh37 (hg19) VCF-style: chr6-149699428-C-T.
Other names: c.281C>T, p.Pro94Leu (NM_001292035.3); c.377C>T, p.Pro126Leu (NM_001369506.1, NM_015093.6); short protein forms P126L, P94L.
Identifiers: ClinVar variation 4838105 (VCV004838105.1).

ClinVar aggregate classification (germline): Uncertain significance (1 of 4 stars; one submission).

Conditions:
Inborn genetic diseases. Identifiers: MedGen C0950123, MeSH D030342.

Submission:

Ambry Genetics
Classification: Uncertain significance for Inborn genetic diseases. Last evaluated: 2025-12-22. Review status: criteria provided, single submitter. Criteria: Ambry Variant Classification Scheme 2023. Collection method: clinical testing. Allele origin: germline.
Comment: The c.377C>T (p.P126L) alteration is located in exon 5 (coding exon 2) of the TAB2 gene. This alteration results from a C to T substitution at nucleotide position 377, causing the proline (P) at amino acid position 126 to be replaced by a leucine (L). This variant was not reported in population-based cohorts in the Genome Aggregation Database (gnomAD). This amino acid position is highly conserved in available vertebrate species. Based on insufficient or conflicting evidence, the clinical significance of this alteration remains unclear.